The following is an entry in ClinVar:

ClinVar aggregate classification (germline): Conflicting classifications of pathogenicity. Review status: criteria provided, conflicting classifications (1 of 4 stars). 5 submissions from 5 submitters: Uncertain significance (1); Benign (2); Likely benign (2). Last evaluated 2025-10-15.

Conditions:
Oligodontia-cancer predisposition syndrome. Also called: TOOTH AGENESIS-COLORECTAL CANCER SYNDROME. Identifiers: Orphanet 300576, MedGen C1837750, MONDO:0012075, OMIM 608615. Disease mechanism: loss of function.
Hereditary cancer-predisposing syndrome. Also called: Tumor predisposition; Neoplastic Syndromes, Hereditary; Hereditary neoplastic syndrome; Hereditary Cancer Syndrome. Identifiers: Orphanet 140162, MedGen C0027672, MeSH D009386, MONDO:0015356.

Allele frequency attached by ClinVar (database versions not stated): TOPMed 0.00004.
gnomAD v4.1: 27 of 1,611,782 alleles (0.0017%); highest among the groups gnomAD compares: East Asian, 0.0045%; no homozygotes.

Submissions (5):

Labcorp Genetics (formerly Invitae), Labcorp
Classification: Likely benign for Oligodontia-cancer predisposition syndrome. Last evaluated: 2025-10-15. Review status: criteria provided, single submitter. Criteria: Invitae Variant Classification Sherloc (09022015). Collection method: clinical testing. Allele origin: germline.

Myriad Genetics, Inc.
Classification: Benign for Oligodontia-cancer predisposition syndrome. Last evaluated: 2024-07-09. Review status: criteria provided, single submitter. Criteria: Myriad Autosomal Dominant, Autosomal Recessive and X-Linked Classification Criteria (2023). Collection method: clinical testing. Allele origin: unknown.
Comment: This variant is considered benign. This variant is a silent/synonymous amino acid change and it is not expected to impact splicing.

Ambry Genetics
Classification: Likely benign for Hereditary cancer-predisposing syndrome. Last evaluated: 2021-01-19. Review status: criteria provided, single submitter. Criteria: Ambry Variant Classification Scheme 2023. Collection method: clinical testing. Allele origin: germline.

Illumina Laboratory Services, Illumina
Classification: Uncertain significance for Oligodontia-cancer predisposition syndrome. Last evaluated: 2018-01-12. Review status: criteria provided, single submitter. Criteria: ICSL Variant Classification Criteria 13 December 2019. Collection method: clinical testing. Allele origin: germline.

GeneDx
Classification: Benign. Last evaluated: 2015-05-30. Review status: criteria provided, single submitter. Criteria: GeneDx Variant Classification Process June 2021. Collection method: clinical testing. Allele origin: germline. Affected: yes.

NM_004655.4(AXIN2):c.2124G>A (p.Ser708=)

Gene: AXIN2 (axin 2; minus strand). Cytogenetic location: 17q24.1.
Variant type: single nucleotide variant.
Coding change: c.2124G>A on transcript NM_004655.4 (MANE Select); coding-DNA position 2124, G replaced by A.
Protein change: p.Ser708=; no amino-acid change (serine 708 retained).
Molecular consequence: synonymous variant.
Genome position (GRCh38, 1-based): chr17:65,536,337, C>T on the plus strand (G>A on the coding strand, the complement: AXIN2 is on the minus strand). VCF-style: chr17-65536337-C-T. GRCh37 (hg19) VCF-style: chr17-63532455-C-T.
Other names: c.2124G>A (LRG_296t1); c.1929G>A, p.Ser643= (NM_001363813.1).
Identifiers: ClinVar variation 324644 (VCV000324644.21), dbSNP rs143243661, ClinGen allele CA10649916.